The following is an entry in ClinVar:

ClinVar aggregate classification (germline): Uncertain significance (1 of 4 stars; one submission).

Conditions:
Cone-rod dystrophy 6 (CORD6). Also called: RETINAL CONE DYSTROPHY 2; Cone dystrophy progressive. Identifiers: Orphanet 1872, MedGen C1866293, MONDO:0011143, OMIM 601777.
Leber congenital amaurosis 1 (LCA1). Also called: RETINAL BLINDNESS, CONGENITAL; AMAUROSIS CONGENITA OF LEBER I; Congenital absence of the rods and cones; Leber's congenital tapetoretinal degeneration; Leber's congenital tapetoretinal dysplasia. Identifiers: Orphanet 65, MedGen C2931258, MONDO:0008764, OMIM 204000.

Submission:

Labcorp Genetics (formerly Invitae), Labcorp
Classification: Uncertain significance for Leber congenital amaurosis 1; Cone-rod dystrophy 6. Last evaluated: 2023-09-10. Review status: criteria provided, single submitter. Criteria: Invitae Variant Classification Sherloc (09022015). Collection method: clinical testing. Allele origin: germline.
Comment: This variant is not present in population databases (gnomAD no frequency). This variant has not been reported in the literature in individuals affected with GUCY2D-related conditions. Advanced modeling of protein sequence and biophysical properties (such as structural, functional, and spatial information, amino acid conservation, physicochemical variation, residue mobility, and thermodynamic stability) performed at Invitae indicates that this missense variant is not expected to disrupt GUCY2D protein function. In summary, the available evidence is currently insufficient to determine the role of this variant in disease. Therefore, it has been classified as a Variant of Uncertain Significance. This sequence change replaces alanine, which is neutral and non-polar, with serine, which is neutral and polar, at codon 1097 of the GUCY2D protein (p.Ala1097Ser).

NM_000180.4(GUCY2D):c.3289G>T (p.Ala1097Ser)

Gene: GUCY2D (guanylate cyclase 2D, retinal; plus strand). Cytogenetic location: 17p13.1.
Variant type: single nucleotide variant.
Coding change: c.3289G>T on transcript NM_000180.4 (MANE Select); coding-DNA position 3289, G replaced by T.
Protein change: p.Ala1097Ser; replaces alanine 1097 with serine.
Molecular consequence: missense variant.
Genome position (GRCh38, 1-based): chr17:8,016,507, G>T. VCF-style: chr17-8016507-G-T. GRCh37 (hg19) VCF-style: chr17-7919825-G-T.
Other names: short protein forms A1097S.
Identifiers: ClinVar variation 2934764 (VCV002934764.3), dbSNP rs569402782, ClinGen allele CA8366381.
Genomic context (GRCh38, chr17:8,016,507, plus strand): 5'-AGCAACCACGGCATCAGCCTGCAGGAGATCCCACCCGAGCGGCGACGGAAGCTGGAGAAG[G>T]CGCGGCCGGGCCAGTTCTCTTGAGAAGTGAGGCCCGGCCCCGGACAGGTACTGCCCCCTC-3'
Protein context (NP_000171.1, residues 1087-1103): PPERRRKLEK[Ala1097Ser]RPGQFS